The following is an entry in ClinVar:

ClinVar aggregate classification (germline): Uncertain significance (1 of 4 stars; one submission).

Conditions:
Myofibrillar myopathy 5. Also called: FILAMINOPATHY, AUTOSOMAL DOMINANT; Filaminopathy (type). Identifiers: Orphanet 171445, MedGen C1836050, MONDO:0012289, OMIM 609524.
Distal myopathy with posterior leg and anterior hand involvement. Also called: WILLIAMS DISTAL MYOPATHY. Identifiers: Orphanet 63273, MedGen C3279722, MONDO:0013550, OMIM 614065.
Hypertrophic cardiomyopathy 26. Also called: Cardiomyopathy, familial hypertrophic, 26. Identifiers: Orphanet 75249, MedGen C4310749, MONDO:0014883, OMIM 617047.

Submission:

Labcorp Genetics (formerly Invitae), Labcorp
Classification: Uncertain significance for Distal myopathy with posterior leg and anterior hand involvement; Myofibrillar myopathy 5; Hypertrophic cardiomyopathy 26. Last evaluated: 2025-04-12. Review status: criteria provided, single submitter. Criteria: Invitae Variant Classification Sherloc (09022015). Collection method: clinical testing. Allele origin: germline.
Comment: This sequence change replaces alanine, which is neutral and non-polar, with proline, which is neutral and non-polar, at codon 1755 of the FLNC protein (p.Ala1755Pro). This variant is not present in population databases (gnomAD no frequency). This variant has not been reported in the literature in individuals affected with FLNC-related conditions. An algorithm developed to predict the effect of missense changes on protein structure and function outputs the following: PolyPhen-2: "Benign". The proline amino acid residue is found in multiple mammalian species, which suggests that this missense change does not adversely affect protein function. In summary, the available evidence is currently insufficient to determine the role of this variant in disease. Therefore, it has been classified as a Variant of Uncertain Significance.

NM_001458.5(FLNC):c.5263G>C (p.Ala1755Pro)

Gene: FLNC (filamin C; plus strand). Cytogenetic location: 7q32.1.
Variant type: single nucleotide variant.
Coding change: c.5263G>C on transcript NM_001458.5 (MANE Select); coding-DNA position 5263, G replaced by C.
Protein change: p.Ala1755Pro; replaces alanine 1755 with proline.
Molecular consequence: missense variant. On other transcripts: intron variant (1).
Genome position (GRCh38, 1-based): chr7:128,850,039, G>C. VCF-style: chr7-128850039-G-C. GRCh37 (hg19) VCF-style: chr7-128490093-G-C.
Other names: c.5200-345G>C (NM_001127487.2); short protein forms A1755P.
Identifiers: ClinVar variation 4812334 (VCV004812334.1).